The following is an entry in ClinVar:

NM_000383.4(AIRE):c.1333C>T (p.Arg445Trp)

Gene: AIRE (autoimmune regulator; plus strand). Cytogenetic location: 21q22.3.
Variant type: single nucleotide variant.
Coding change: c.1333C>T on transcript NM_000383.4 (MANE Select); coding-DNA position 1333, C replaced by T.
Protein change: p.Arg445Trp; replaces arginine 445 with tryptophan.
Molecular consequence: missense variant.
Genome position (GRCh38, 1-based): chr21:44,293,843, C>T. VCF-style: chr21-44293843-C-T. GRCh37 (hg19) VCF-style: chr21-45713726-C-T.
Other names: short protein forms R445W.
Identifiers: ClinVar variation 838942 (VCV000838942.5), dbSNP rs921069738, ClinGen allele CA321795896.
Genomic context (GRCh38, chr21:44,293,843, plus strand): 5'-CCACAGAACCTGGCTCCTGGTGCGCGTTGCGGGGTGTGCGGAGATGGTACGGACGTGCTG[C>T]GGTGTACTCACTGCGCCGCTGCCTTCCACTGGCGCTGCCACTTCCCAGCCGGCACCTCCC-3'
Protein context (NP_000374.1, residues 435-455): GVCGDGTDVL[Arg445Trp]CTHCAAAFHW

ClinVar aggregate classification (germline): Uncertain significance. Review status: criteria provided, single submitter (1 of 4 stars). 2 submissions from 2 submitters: Uncertain significance (1). 1 of the submissions does not count toward it. Last evaluated 2024-09-19.

Conditions:
Polyglandular autoimmune syndrome, type 1 (APS1). Also called: Autoimmune polyendocrinopathy syndrome , type I, with or without reversible metaphyseal dysplasia; PGA I; AUTOIMMUNE POLYENDOCRINE SYNDROME, TYPE I, WITH OR WITHOUT REVERSIBLE METAPHYSEAL DYSPLASIA; HYPOADRENOCORTICISM WITH HYPOPARATHYROIDISM AND SUPERFICIAL MONILIASIS; Whitaker syndrome; Autoimmune polyendocrine syndrome type 1. Identifiers: Orphanet 3453, MedGen C0085859, MONDO:0009411, OMIM 240300.

Allele frequency attached by ClinVar (database versions not stated): gnomAD exomes 0.00001; gnomAD 0.00002; TOPMed 0.00004.
gnomAD v4.1: 17 of 1,596,874 alleles (0.0011%); highest among the groups gnomAD compares: African/African-American, 0.004%; no homozygotes.

Submissions (2):

Labcorp Genetics (formerly Invitae), Labcorp
Classification: Uncertain significance for Polyglandular autoimmune syndrome, type 1. Last evaluated: 2024-09-19. Review status: criteria provided, single submitter. Criteria: Invitae Variant Classification Sherloc (09022015). Collection method: clinical testing. Allele origin: germline.
Comment: This sequence change replaces arginine, which is basic and polar, with tryptophan, which is neutral and slightly polar, at codon 445 of the AIRE protein (p.Arg445Trp). This variant is present in population databases (no rsID available, gnomAD 0.003%). This variant has not been reported in the literature in individuals affected with AIRE-related conditions. ClinVar contains an entry for this variant (Variation ID: 838942). Invitae Evidence Modeling of protein sequence and biophysical properties (such as structural, functional, and spatial information, amino acid conservation, physicochemical variation, residue mobility, and thermodynamic stability) indicates that this missense variant is not expected to disrupt AIRE protein function with a negative predictive value of 95%. In summary, the available evidence is currently insufficient to determine the role of this variant in disease. Therefore, it has been classified as a Variant of Uncertain Significance.

Natera, Inc.
Classification: Uncertain significance for Polyglandular autoimmune syndrome type 1. Last evaluated: 2020-09-16. Review status: no assertion criteria provided. Collection method: clinical testing. Allele origin: germline. Not counted in ClinVar's aggregate classification.